The following is an entry in ClinVar:

ClinVar aggregate classification (germline): Conflicting classifications of pathogenicity. Review status: criteria provided, conflicting classifications (1 of 4 stars). 2 submissions from 2 submitters: Uncertain significance (1); Likely benign (1). Last evaluated 2025-04-18.

Conditions:
Hereditary breast ovarian cancer syndrome. Also called: Hereditary breast and ovarian cancer syndrome; Breast and ovarian cancer; Hereditary breast and/or ovarian cancer syndrome; Hereditary breast and ovarian cancer; BRCA1- and BRCA2-Associated Hereditary Breast and Ovarian Cancer; Hereditary breast and ovarian cancer syndrome (HBOC). Identifiers: Orphanet 145, MedGen C0677776, MeSH D061325, MONDO:0003582. Disease mechanism: loss of function.
Hereditary cancer-predisposing syndrome. Also called: Tumor predisposition; Neoplastic Syndromes, Hereditary; Hereditary neoplastic syndrome; Hereditary Cancer Syndrome. Identifiers: Orphanet 140162, MedGen C0027672, MeSH D009386, MONDO:0015356.

Allele frequency attached by ClinVar (database versions not stated): gnomAD 0.00001.
gnomAD v4.1: 1 of 1,613,898 alleles (0.000062%); highest among the groups gnomAD compares: Non-Finnish European, 0.000085%; no homozygotes.

Submissions (2):

Labcorp Genetics (formerly Invitae), Labcorp
Classification: Uncertain significance for Hereditary breast ovarian cancer syndrome. Last evaluated: 2025-04-18. Review status: criteria provided, single submitter. Criteria: Invitae Variant Classification Sherloc (09022015). Collection method: clinical testing. Allele origin: germline.
Comment: This sequence change replaces aspartic acid, which is acidic and polar, with tyrosine, which is neutral and polar, at codon 2489 of the BRCA2 protein (p.Asp2489Tyr). This variant is present in population databases (no rsID available, gnomAD 0.007%). This variant has not been reported in the literature in individuals affected with BRCA2-related conditions. ClinVar contains an entry for this variant (Variation ID: 850962). Invitae Evidence Modeling incorporating data from in vitro experimental studies (PMID: 33609447) indicates that this missense variant is not expected to disrupt BRCA2 function with a negative predictive value of 95%. In summary, the available evidence is currently insufficient to determine the role of this variant in disease. Therefore, it has been classified as a Variant of Uncertain Significance.

Ambry Genetics
Classification: Likely benign for Hereditary cancer-predisposing syndrome. Last evaluated: 2025-04-17. Review status: criteria provided, single submitter. Criteria: Ambry Variant Classification Scheme 2023. Collection method: clinical testing. Allele origin: germline.

Literature cited by the submitters: PubMed 33609447 (cited by Labcorp Genetics (formerly Invitae), Labcorp); PubMed 39779848 (cited by Ambry Genetics); PubMed 39779857 (cited by Ambry Genetics).

NM_000059.4(BRCA2):c.7465G>T (p.Asp2489Tyr)

Gene: BRCA2 (BRCA2 DNA repair associated; plus strand). Cytogenetic location: 13q13.1.
Variant type: single nucleotide variant.
Coding change: c.7465G>T on transcript NM_000059.4 (MANE Select); coding-DNA position 7465, G replaced by T.
Protein change: p.Asp2489Tyr; replaces aspartic acid 2489 with tyrosine.
Molecular consequence: missense variant.
Genome position (GRCh38, 1-based): chr13:32,356,457, G>T. VCF-style: chr13-32356457-G-T. GRCh37 (hg19) VCF-style: chr13-32930594-G-T.
Other names: short protein forms D2489Y.
Identifiers: ClinVar variation 850962 (VCV000850962.11), dbSNP rs1422201756, ClinGen allele CA387743174.